The following is an entry in ClinVar:

NM_021076.4(NEFH):c.1462G>C (p.Gly488Arg)

Gene: NEFH (neurofilament heavy chain; plus strand). Cytogenetic location: 22q12.2.
Variant type: single nucleotide variant.
Coding change: c.1462G>C on transcript NM_021076.4 (MANE Select); coding-DNA position 1462, G replaced by C.
Protein change: p.Gly488Arg; replaces glycine 488 with arginine.
Molecular consequence: missense variant.
Genome position (GRCh38, 1-based): chr22:29,489,102, G>C. VCF-style: chr22-29489102-G-C. GRCh37 (hg19) VCF-style: chr22-29885091-G-C.
Other names: short protein forms G488R.
Identifiers: ClinVar variation 1704594 (VCV001704594.26), dbSNP rs1341075872, ClinGen allele CA411130215.
Genomic context (GRCh38, chr22:29,489,102, plus strand): 5'-GAAGAAGTGACTGAAGAAGAGGAGAAAGAGGCCAAAGAGGAGGAGGGCAAGGAGGAAGAA[G>C]GGGGTGAAGAAGAGGAGGCAGAAGGGGGAGAAGAAGAAACAAAGTCTCCCCCAGCAGAAG-3'
Protein context (NP_066554.2, residues 478-498): AKEEEGKEEE[Gly488Arg]GEEEEAEGGE

ClinVar aggregate classification (germline): Uncertain significance. Review status: criteria provided, multiple submitters, no conflicts (2 of 4 stars). 2 submissions from 2 submitters: Uncertain significance (2). Last evaluated 2023-08-01.

Allele frequency attached by ClinVar (database versions not stated): gnomAD exomes below 0.00001; TOPMed below 0.00001.
gnomAD v4.1: 2 of 1,613,346 alleles (0.00012%); highest among the groups gnomAD compares: Non-Finnish European, 0.00017%; no homozygotes.

Submissions (2):

CeGaT Center for Human Genetics Tuebingen
Classification: Uncertain significance. Last evaluated: 2023-08-01. Review status: criteria provided, single submitter. Criteria: CeGaT Center For Human Genetics Tuebingen Variant Classification Criteria Version 2. Collection method: clinical testing. Allele origin: germline. Affected: yes. Observed: 1 variant allele.
Comment: NEFH: PM2:Supporting, BP4

Women's Health and Genetics/Laboratory Corporation of America, LabCorp
Classification: Uncertain significance. Last evaluated: 2022-07-28. Review status: criteria provided, single submitter. Criteria: LabCorp Variant Classification Summary - May 2015. Collection method: clinical testing. Allele origin: germline.
Comment: Variant summary: NEFH c.1462G>C (p.Gly488Arg) results in a non-conservative amino acid change in the encoded protein sequence. Four of five in-silico tools predict a benign effect of the variant on protein function. The variant allele was found at a frequency of 4e-06 in 247744 control chromosomes. The available data on variant occurrences in the general population are insufficient to allow any conclusion about variant significance. To our knowledge, no occurrence of c.1462G>C in individuals affected with Charcot-Marie Tooth Disease, Axonal, Type 2CC and no experimental evidence demonstrating its impact on protein function have been reported. No clinical diagnostic laboratories have submitted clinical-significance assessments for this variant to ClinVar after 2014. Based on the evidence outlined above, the variant was classified as uncertain significance.